The following is an entry in ClinVar:

NM_032756.4(HPDL):c.698_699insTGGGCCAGCATTGTCCCCACTCTTGTTCTGGCTGAGTC (p.Leu234fs)

Gene: HPDL (4-hydroxyphenylpyruvate dioxygenase like; plus strand). Cytogenetic location: 1p34.1.
Variant type: Insertion.
Coding change: c.698_699insTGGGCCAGCATTGTCCCCACTCTTGTTCTGGCTGAGTC on transcript NM_032756.4 (MANE Select); coding-DNA positions 698 to 699, TGGGCCAGCATTGTCCCCACTCTTGTTCTGGCTGAGTC inserted.
Protein change: p.Leu234fs; shifts the reading frame from leucine 234.
Molecular consequence: frameshift variant.
Genome position: GRCh38: chr1:45,327,846-45,327,847. GRCh37 (hg19): chr1:45,793,518-45,793,519.
Other names: p.L234Gfs*94; short protein forms L234fs.
Identifiers: ClinVar variation 3106792 (VCV003106792.2), dbSNP rs769034963, ClinGen allele CA826296.

ClinVar aggregate classification (germline): Pathogenic. Review status: criteria provided, multiple submitters, no conflicts (2 of 4 stars). 2 submissions from 2 submitters: Pathogenic (2). Last evaluated 2026-06-05.

Conditions:
Inborn genetic diseases. Identifiers: MedGen C0950123, MeSH D030342.
Neurodevelopmental disorder with progressive spasticity and brain white matter abnormalities. Also called: CEREBRAL PALSY, SPASTIC QUADRIPLEGIC, 1. Identifiers: Orphanet 210141, Orphanet 641353, MedGen C5436628, MONDO:0033613, OMIM 619026.

Submissions (2):

Undiagnosed Diseases Network, NIH
Classification: Pathogenic for Neurodevelopmental disorder with progressive spasticity and brain white matter abnormalities. Last evaluated: 2026-06-05. Review status: criteria provided, single submitter. Criteria: ACMG Guidelines, 2015. Collection method: clinical testing. Allele origin: maternal. Inheritance: Autosomal recessive inheritance. Affected: yes. Observed: 1 variant allele, 1 compound heterozygote. Study: Undiagnosed Diseases Network, UDN.
Comment: This variant has been described as homozygous in a patient with HPDL related disorders (PMID: 32707086). This variant has been observed in general population with allele frequency less than 0.1%. This variant is predicted to create an alternate stop codon after 94 amino acids inserted from amino acid position 234 and to remove a significant portion of the protein.

Ambry Genetics
Classification: Pathogenic for Inborn genetic diseases. Last evaluated: 2021-09-10. Review status: criteria provided, single submitter. Criteria: Ambry Variant Classification Scheme 2023. Collection method: clinical testing. Allele origin: germline.
Comment: The c.698_699insTGGGCCAGCATTGTCCCCACTCTTGTTCTGGCTGAGTC (p.L234Gfs*94) alteration, located in exon 1 (coding exon 1) of the HPDL gene, consists of an insertion of 38 nucleotides from position 698 to 699 causing a translational frameshift with a predicted alternate stop codon after 94 amino acids. Premature stop codons are typically deleterious in nature; however, because HPDL is a single-exon gene, this alteration is not expected to trigger nonsense-mediated mRNA decay and a truncated protein could still be expressed (Maquat, 2004). This alteration results in the loss of 137 amino acids, removing 37% of the protein. In addition, this alteration and other downstream truncating and missense alterations have been reported in the literature as disease-causing (Husain, 2020; Ghosh, 2021; Wiessner, 2021; Ambry internal data). Based on data from gnomAD, the alteration has an overall frequency of 0.0004% (1/224,670) total alleles studied. Based on the available evidence, this alteration is classified as pathogenic.

Literature cited by the submitters: PubMed 32707086 (cited by Undiagnosed Diseases Network, NIH and Ambry Genetics).